The following is an entry in ClinVar:

NM_024589.3(ROGDI):c.152dup (p.Thr52fs)

Gene: ROGDI (rogdi atypical leucine zipper; minus strand). Cytogenetic location: 16p13.3.
Variant type: Duplication.
Coding change: c.152dup on transcript NM_024589.3 (MANE Select); coding-DNA position 152, one base duplicated (G; older notation c.152dupG).
Protein change: p.Thr52fs; shifts the reading frame from threonine 52.
Molecular consequence: frameshift variant. On other transcripts: non-coding transcript variant (1).
Genome position (GRCh38, 1-based): chr16:4,801,551, C duplicated on the plus strand (G on the coding strand, the reverse complement: ROGDI is on the minus strand); the first of 2 consecutive C bases (chr16:4,801,551-4,801,552); duplicating either gives the same sequence. VCF-style (leftmost placement, unchanged base first): chr16-4801550-G-GC. GRCh37 (hg19) VCF-style: chr16-4851551-G-GC.
Other names: short protein forms T52fs.
Identifiers: ClinVar variation 2912225 (VCV002912225.3), dbSNP rs1567604012, ClinGen allele CA919644846.

ClinVar aggregate classification (germline): Pathogenic (1 of 4 stars; one submission).

Conditions:
Amelocerebrohypohidrotic syndrome (KTZS). Also called: KOHLSCHUTTER SYNDROME; Kohlschutter's syndrome; EPILEPSY AND YELLOW TEETH; EPILEPSY, DEMENTIA, AND AMELOGENESIS IMPERFECTA. Identifiers: Orphanet 1946, MedGen C0406740, MONDO:0009185, OMIM 226750.

Submission:

Labcorp Genetics (formerly Invitae), Labcorp
Classification: Pathogenic for Amelocerebrohypohidrotic syndrome. Last evaluated: 2023-10-28. Review status: criteria provided, single submitter. Criteria: Invitae Variant Classification Sherloc (09022015). Collection method: clinical testing. Allele origin: germline.
Comment: This sequence change creates a premature translational stop signal (p.Thr52Hisfs*2) in the ROGDI gene. It is expected to result in an absent or disrupted protein product. Loss-of-function variants in ROGDI are known to be pathogenic (PMID: 22424600, 23086778). This variant is not present in population databases (gnomAD no frequency). This variant has not been reported in the literature in individuals affected with ROGDI-related conditions. For these reasons, this variant has been classified as Pathogenic.

Literature cited by the submitters: PubMed 22424600; PubMed 23086778.